The following is an entry in ClinVar:

NM_006015.6(ARID1A):c.44A>C (p.Asn15Thr)

Gene: ARID1A (AT-rich interaction domain 1A; plus strand). Cytogenetic location: 1p36.11.
Variant type: single nucleotide variant.
Coding change: c.44A>C on transcript NM_006015.6 (MANE Select); coding-DNA position 44, A replaced by C.
Protein change: p.Asn15Thr; replaces asparagine 15 with threonine.
Molecular consequence: missense variant.
Genome position (GRCh38, 1-based): chr1:26,696,447, A>C. VCF-style: chr1-26696447-A-C. GRCh37 (hg19) VCF-style: chr1-27022938-A-C.
Other names: c.44A>C, p.Asn15Thr (NM_139135.4); short protein forms N15T.
Identifiers: ClinVar variation 4881796 (VCV004881796.2).

ClinVar aggregate classification (germline): Uncertain significance (1 of 4 stars; one submission).

Submission:

Dasa
Classification: Uncertain significance. Last evaluated: 2024-06-30. Review status: criteria provided, single submitter. Criteria: DASA Assertion Criteria. Collection method: clinical testing. Allele origin: germline.
Comment: NM_006015.6(ARID1A):c.44A>C (p.Asn15Thr) is a missense variant that results in the substitution of asparagine with threonine. This variant is rare in population databases. Computational prediction algorithms are consistent with a benign effect. The currently available literature and clinical evidence are not sufficient to establish a definitive association between this variant and the reported condition. Therefore, this variant is classified as a variant of uncertain significance.